The following is an entry in ClinVar:

NM_024675.4(PALB2):c.689A>T (p.Glu230Val)

Gene: PALB2 (partner and localizer of BRCA2; minus strand). Cytogenetic location: 16p12.2.
Variant type: single nucleotide variant.
Coding change: c.689A>T on transcript NM_024675.4 (MANE Select); coding-DNA position 689, A replaced by T.
Protein change: p.Glu230Val; replaces glutamic acid 230 with valine.
Molecular consequence: missense variant.
Genome position (GRCh38, 1-based): chr16:23,635,857, T>A on the plus strand (A>T on the coding strand, the complement: PALB2 is on the minus strand). VCF-style: chr16-23635857-T-A. GRCh37 (hg19) VCF-style: chr16-23647178-T-A.
Other names: short protein forms E230V.
Identifiers: ClinVar variation 826686 (VCV000826686.4), dbSNP rs1567222506, ClinGen allele CA395136404.

ClinVar aggregate classification (germline): Uncertain significance (1 of 4 stars; one submission).

Conditions:
Hereditary cancer-predisposing syndrome. Also called: Neoplastic Syndromes, Hereditary; Tumor predisposition; Hereditary neoplastic syndrome; Hereditary Cancer Syndrome. Identifiers: Orphanet 140162, MedGen C0027672, MeSH D009386, MONDO:0015356.

Submission:

Ambry Genetics
Classification: Uncertain significance for Hereditary cancer-predisposing syndrome. Last evaluated: 2018-07-10. Review status: criteria provided, single submitter. Criteria: Ambry Variant Classification Scheme 2023. Collection method: clinical testing. Allele origin: germline.
Comment: The p.E230V variant (also known as c.689A>T), located in coding exon 4 of the PALB2 gene, results from an A to T substitution at nucleotide position 689. The glutamic acid at codon 230 is replaced by valine, an amino acid with dissimilar properties. This amino acid position is poorly conserved in available vertebrate species. In addition, this alteration is predicted to be tolerated by in silico analysis. Since supporting evidence is limited at this time, the clinical significance of this alteration remains unclear.